The following is an entry in ClinVar:

ClinVar aggregate classification (germline): Likely pathogenic (1 of 4 stars; one submission).

Conditions:
Infantile hypotonia-oculomotor anomalies-hyperkinetic movements-developmental delay syndrome. Also called: BAKER-GORDON SYNDROME; NEURODEVELOPMENTAL DISORDER WITH INVOLUNTARY MOVEMENT AND ABNORMAL ELECTROENCEPHALOGRAM. Identifiers: Orphanet 522077, MedGen C4748715, MONDO:0033864, OMIM 618218.

Submission:

Juno Genomics, Hangzhou Juno Genomics, Inc
Classification: Likely pathogenic for Infantile hypotonia-oculomotor anomalies-hyperkinetic movements-developmental delay syndrome. Review status: criteria provided, single submitter. Criteria: ACMG Guidelines, 2015. Collection method: clinical testing. Allele origin: germline. Affected: yes.
Comment: Absent from controls (or at extremely low frequency if recessive) in Genome Aggregation Database, Exome Sequencing Project, 1000 Genomes Project, or Exome Aggregation Consortium.;Multiple lines of computational evidence support a deleterious effect on the gene or gene product (conservation, evolutionary, splicing impact, etc).;Missense variant in a gene that has a low rate of benign missense variation and where missense variants are a common mechanism of disease.;Located in a mutational hot spot and/or critical and well-established functional domain (e.g. active site of an enzyme) without benign variation.

NM_005639.3(SYT1):c.931C>T (p.Pro311Ser)

Gene: SYT1 (synaptotagmin 1; plus strand). Cytogenetic location: 12q21.2.
Variant type: single nucleotide variant.
Coding change: c.931C>T on transcript NM_005639.3 (MANE Select); coding-DNA position 931, C replaced by T.
Protein change: p.Pro311Ser; replaces proline 311 with serine.
Molecular consequence: missense variant.
Genome position (GRCh38, 1-based): chr12:79,444,075, C>T. VCF-style: chr12-79444075-C-T. GRCh37 (hg19) VCF-style: chr12-79837855-C-T.
Other names: c.931C>T, p.Pro311Ser (NM_001135805.2, NM_001135806.2, NM_001415938.1 and 2 more transcripts); c.922C>T, p.Pro308Ser (NM_001291901.2, NM_001415941.1, NM_001415942.1 and 1 more transcripts); short protein forms P308S, P311S.
Identifiers: ClinVar variation 3382844 (VCV003382844.2).